The following is an entry in ClinVar:

NM_000702.4(ATP1A2):c.748+3G>A

Genes: ATP1A2 (ATPase Na+/K+ transporting subunit alpha 2; plus strand), LOC126805890 (CDK7 strongly-dependent group 2 enhancer GRCh37_chr1:160093987-160095186; plus strand). Cytogenetic location: 1q23.2.
Variant type: single nucleotide variant.
Coding change: c.748+3G>A on transcript NM_000702.4 (MANE Select); 3 bases into the intron after coding-DNA position 748, G replaced by A.
Molecular consequence: intron variant.
Genome position (GRCh38, 1-based): chr1:160,125,256, G>A. VCF-style: chr1-160125256-G-A. GRCh37 (hg19) VCF-style: chr1-160095046-G-A.
Identifiers: ClinVar variation 847409 (VCV000847409.9), dbSNP rs767929498, ClinGen allele CA1194255.

ClinVar aggregate classification (germline): Uncertain significance. Review status: criteria provided, multiple submitters, no conflicts (2 of 4 stars). 2 submissions from 2 submitters: Uncertain significance (2). Last evaluated 2024-11-07.

Conditions:
Alternating hemiplegia of childhood 1 (AHC1). Identifiers: Orphanet 2131, MedGen C3549447, MONDO:0007087, OMIM 104290.
Familial hemiplegic migraine. Identifiers: MedGen C0338484, MONDO:0000700.

Allele frequency attached by ClinVar (database versions not stated): gnomAD exomes below 0.00001; TOPMed below 0.00001; ExAC 0.00001; gnomAD 0.00001.
gnomAD v4.1: 4 of 1,611,320 alleles (0.00025%); highest among the groups gnomAD compares: Non-Finnish European, 0.00025%; no homozygotes.

Submissions (2):

Labcorp Genetics (formerly Invitae), Labcorp
Classification: Uncertain significance for Familial hemiplegic migraine. Last evaluated: 2024-11-07. Review status: criteria provided, single submitter. Criteria: Invitae Variant Classification Sherloc (09022015). Collection method: clinical testing. Allele origin: germline.
Comment: This sequence change falls in intron 7 of the ATP1A2 gene. It does not directly change the encoded amino acid sequence of the ATP1A2 protein. It affects a nucleotide within the consensus splice site. This variant is present in population databases (rs767929498, gnomAD 0.0009%). This variant has not been reported in the literature in individuals affected with ATP1A2-related conditions. ClinVar contains an entry for this variant (Variation ID: 847409). Variants that disrupt the consensus splice site are a relatively common cause of aberrant splicing (PMID: 17576681, 9536098). Algorithms developed to predict the effect of sequence changes on RNA splicing suggest that this variant is not likely to affect RNA splicing. In summary, the available evidence is currently insufficient to determine the role of this variant in disease. Therefore, it has been classified as a Variant of Uncertain Significance.

New York Genome Center
Classification: Uncertain significance for Alternating hemiplegia of childhood 1. Last evaluated: 2021-02-05. Review status: criteria provided, single submitter. Criteria: NYGC Assertion Criteria 2020. Collection method: clinical testing. Allele origin: inherited. Observed: 1 heterozygote. Study: CSER-NYCKidSeq.

Literature cited by the submitters: PubMed 17576681 (cited by Labcorp Genetics (formerly Invitae), Labcorp); PubMed 9536098 (cited by Labcorp Genetics (formerly Invitae), Labcorp).